The following is an entry in ClinVar:

ClinVar aggregate classification (germline): Uncertain significance (1 of 4 stars; one submission).

Conditions:
Hereditary breast ovarian cancer syndrome. Also called: Hereditary breast and ovarian cancer syndrome (HBOC); Hereditary breast and/or ovarian cancer syndrome; BRCA1- and BRCA2-Associated Hereditary Breast and Ovarian Cancer; Hereditary breast and ovarian cancer syndrome; Hereditary breast and ovarian cancer; Breast and ovarian cancer. Identifiers: Orphanet 145, MedGen C0677776, MeSH D061325, MONDO:0003582. Disease mechanism: loss of function.

Submission:

Labcorp Genetics (formerly Invitae), Labcorp
Classification: Uncertain significance for Hereditary breast ovarian cancer syndrome. Last evaluated: 2016-03-16. Review status: criteria provided, single submitter. Criteria: Invitae Variant Classification Sherloc (09022015). Collection method: clinical testing. Allele origin: germline.
Comment: This sequence change is a gross duplication of the genomic region encompassing exons 2-21 of the BRCA1 gene. This duplication extends to the edge of the assayed region, and the 3' boundary of this event is not known. While this duplication has not been reported in the literature, other gross duplications in BRCA1 are known to be pathogenic (PMID: 22544547). The exact position of the duplicated exons cannot be determined from this data, and the effect of this sequence change is unknown. Therefore, it has been classified as a Variant of Uncertain Significance.

NM_007294.3(BRCA1):c.-19-?_5406+?dup

Gene: BRCA1 (BRCA1 DNA repair associated; minus strand).
Variant type: Duplication.
Coding change: c.-19-?_5406+?dup on transcript NM_007294.3.
Other names: c.-19-?_5406+?dup (LRG_292t1).
Identifiers: ClinVar variation 254089 (VCV000254089.1).